The following is an entry in ClinVar:

NM_033026.6(PCLO):c.14250-6A>G

Gene: PCLO (piccolo presynaptic cytomatrix protein; minus strand). Cytogenetic location: 7q21.11.
Variant type: single nucleotide variant.
Coding change: c.14250-6A>G on transcript NM_033026.6 (MANE Select); 6 bases into the intron before coding-DNA position 14250, A replaced by G.
Molecular consequence: intron variant.
Genome position (GRCh38, 1-based): chr7:82,827,972, T>C on the plus strand (A>G on the coding strand, the complement: PCLO is on the minus strand). VCF-style: chr7-82827972-T-C. GRCh37 (hg19) VCF-style: chr7-82457288-T-C.
Other names: c.14250-6A>G (NM_014510.3).
Identifiers: ClinVar variation 3903228 (VCV003903228.1).
Genomic context (GRCh38, chr7:82,827,972, plus strand): 5'-CCACTCAGGATTAAGACTTTTCTGGACATGTTTAGTCCTTCTCTTGTACTCAGCACTGAA[T>C]TGGGAGAAAAGAAAGAGTTATCTTGATTATTCACCTTAGTTTATGACTTCACAGTTAAAC-3'

ClinVar aggregate classification (germline): Uncertain significance (1 of 4 stars; one submission).

Submission:

GeneDx
Classification: Uncertain significance. Last evaluated: 2022-06-15. Review status: criteria provided, single submitter. Criteria: GeneDx Variant Classification Process June 2021. Collection method: clinical testing. Allele origin: germline. Affected: yes.
Comment: Not observed at significant frequency in large population cohorts (gnomAD); In silico analysis supports a deleterious effect on splicing; Has not been previously published as pathogenic or benign to our knowledge; Variants in candidate genes are classified as variants of uncertain significance in accordance with ACMG guidelines (Richards et al., 2015)